The following is an entry in ClinVar:

NM_001256715.2(DNAAF3):c.212C>G (p.Pro71Arg)

Genes: DNAAF3 (dynein axonemal assembly factor 3; minus strand), DNAAF3-AS1 (DNAAF3 antisense RNA 1; plus strand). Cytogenetic location: 19q13.42.
Variant type: single nucleotide variant.
Coding change: c.212C>G on transcript NM_001256715.2 (MANE Select); coding-DNA position 212, C replaced by G.
Protein change: p.Pro71Arg; replaces proline 71 with arginine.
Molecular consequence: missense variant. On other transcripts: 5 prime UTR variant (1).
Genome position (GRCh38, 1-based): chr19:55,165,874, G>C on the plus strand (C>G on the coding strand, the complement: DNAAF3 is on the minus strand). VCF-style: chr19-55165874-G-C. GRCh37 (hg19) VCF-style: chr19-55677242-G-C.
Other names: c.416C>G, p.Pro139Arg (NM_001256714.1); c.-27C>G (NM_001256716.2); c.353C>G, p.Pro118Arg (NM_178837.4); short protein forms P118R, P139R, P71R.
Identifiers: ClinVar variation 1001846 (VCV001001846.9), dbSNP rs755945019, ClinGen allele CA407461183.

ClinVar aggregate classification (germline): Uncertain significance (1 of 4 stars; one submission).

Conditions:
Primary ciliary dyskinesia. Also called: Ciliary dyskinesia. Identifiers: Orphanet 244, MedGen C0008780, MONDO:0016575, HP:0012265.

Allele frequency attached by ClinVar (database versions not stated): TOPMed below 0.00001.
gnomAD v4.1: 4 of 1,614,130 alleles (0.00025%); highest among the groups gnomAD compares: Non-Finnish European, 0.000085%; no homozygotes.

Submission:

Labcorp Genetics (formerly Invitae), Labcorp
Classification: Uncertain significance for Primary ciliary dyskinesia. Last evaluated: 2020-10-25. Review status: criteria provided, single submitter. Criteria: Invitae Variant Classification Sherloc (09022015). Collection method: clinical testing. Allele origin: germline.
Comment: In summary, the available evidence is currently insufficient to determine the role of this variant in disease. Therefore, it has been classified as a Variant of Uncertain Significance. Algorithms developed to predict the effect of missense changes on protein structure and function are either unavailable or do not agree on the potential impact of this missense change (SIFT: "Deleterious"; PolyPhen-2: "Probably Damaging"; Align-GVGD: "Class C0"). This variant has not been reported in the literature in individuals with DNAAF3-related conditions. This sequence change replaces proline with arginine at codon 139 of the DNAAF3 protein (p.Pro139Arg). The proline residue is moderately conserved and there is a moderate physicochemical difference between proline and arginine. This variant is not present in population databases (ExAC no frequency).